The following is an entry in ClinVar:

ClinVar aggregate classification (germline): Likely benign (1 of 4 stars; one submission).

Conditions:
GFI1-related disorder. Also called: GFI1-related condition.

gnomAD v4.1: 3 of 1,609,288 alleles (0.00019%); highest among the groups gnomAD compares: Non-Finnish European, 0.00017%; no homozygotes.

Submission:

PreventionGenetics, part of Exact Sciences
Classification: Likely benign for GFI1-related condition. Last evaluated: 2025-05-15. Review status: criteria provided, single submitter. Criteria: ACMG Guidelines, 2015. Collection method: clinical testing. Allele origin: germline.
Comment: This variant is classified as likely benign based on ACMG/AMP sequence variant interpretation guidelines (Richards et al. 2015 PMID: 25741868, with internal and published modifications).

NM_005263.5(GFI1):c.299-6C>T

Gene: GFI1 (growth factor independent 1 transcriptional repressor; minus strand). Cytogenetic location: 1p22.1.
Variant type: single nucleotide variant.
Coding change: c.299-6C>T on transcript NM_005263.5 (MANE Select); 6 bases into the intron before coding-DNA position 299, C replaced by T.
Molecular consequence: intron variant.
Genome position (GRCh38, 1-based): chr1:92,481,094, G>A on the plus strand (C>T on the coding strand, the complement: GFI1 is on the minus strand). VCF-style: chr1-92481094-G-A. GRCh37 (hg19) VCF-style: chr1-92946651-G-A.
Other names: c.299-6C>T (NM_001127216.3, NM_001127215.3).
Identifiers: ClinVar variation 4999773 (VCV004999773.1).
Genomic context (GRCh38, chr1:92,481,094, plus strand): 5'-GGCAGGGGGAAGGGCTGGGCTTCGTCCAGCGATGGGCACATTGACTTCTCCGAGGCTGTG[G>A]AGGCACAAGGGGAGCGTCCGGTCAGGCTTCAGACGGCAGAGCGGAGGCCGCCGGGCTGCG-3'